The following is an entry in ClinVar:

NC_000005.9:g.(?_94848316)_(94858670_?)del

Gene: SKIC3 (SKI3 subunit of superkiller complex; minus strand). Cytogenetic location: 5q15.
Variant type: Deletion.
Identifiers: ClinVar variation 3246521 (VCV003246521.1).

ClinVar aggregate classification (germline): Likely pathogenic (1 of 4 stars; one submission).

Submission:

Labcorp Genetics (formerly Invitae), Labcorp
Classification: Likely pathogenic. Last evaluated: 2023-12-29. Review status: criteria provided, single submitter. Criteria: Invitae Variant Classification Sherloc (09022015). Collection method: clinical testing. Allele origin: unknown.
Comment: This variant results in the deletion of exons 19-27 and part of exon 28 (c.1757+236_2785delins155) of the TTC37 gene. It is expected to disrupt RNA splicing. Variants that disrupt the donor or acceptor splice site typically lead to a loss of protein function (PMID: 16199547), and loss-of-function variants in TTC37 are known to be pathogenic (PMID: 20176027, 21120949). This variant has not been reported in the literature in individuals affected with TTC37-related conditions. This variant disrupts a region of the TTC37 protein in which other variant(s) (p.His709Tyr) have been observed in individuals with TTC37-related conditions (PMID: 35108801). This suggests that this is a clinically significant region of the protein, and that variants that disrupt it are likely to be disease-causing. In summary, the currently available evidence indicates that the variant is pathogenic, but additional data are needed to prove that conclusively. Therefore, this variant has been classified as Likely Pathogenic.

Literature cited by the submitters: PubMed 16199547; PubMed 20176027; PubMed 21120949; PubMed 35108801.